The following is an entry in ClinVar:

NM_000350.3(ABCA4):c.1763A>T (p.Tyr588Phe)

Gene: ABCA4 (ATP binding cassette subfamily A member 4; minus strand). Cytogenetic location: 1p22.1.
Variant type: single nucleotide variant.
Coding change: c.1763A>T on transcript NM_000350.3 (MANE Select); coding-DNA position 1763, A replaced by T.
Protein change: p.Tyr588Phe; replaces tyrosine 588 with phenylalanine.
Molecular consequence: missense variant.
Genome position (GRCh38, 1-based): chr1:94,062,751, T>A on the plus strand (A>T on the coding strand, the complement: ABCA4 is on the minus strand). VCF-style: chr1-94062751-T-A. GRCh37 (hg19) VCF-style: chr1-94528307-T-A.
Other names: c.1763A>T, p.Tyr588Phe (NM_001425324.1); short protein forms Y588F.
Identifiers: ClinVar variation 1354877 (VCV001354877.5), dbSNP rs972888328, ClinGen allele CA26848281.

ClinVar aggregate classification (germline): Uncertain significance (1 of 4 stars; one submission).

Allele frequency attached by ClinVar (database versions not stated): gnomAD exomes below 0.00001.
gnomAD v4.1: 1 of 1,613,680 alleles (0.000062%); highest among the groups gnomAD compares: Admixed American, 0.0017%; no homozygotes.

Submission:

Labcorp Genetics (formerly Invitae), Labcorp
Classification: Uncertain significance. Last evaluated: 2022-01-13. Review status: criteria provided, single submitter. Criteria: Invitae Variant Classification Sherloc (09022015). Collection method: clinical testing. Allele origin: germline.
Comment: This sequence change replaces tyrosine, which is neutral and polar, with phenylalanine, which is neutral and non-polar, at codon 588 of the ABCA4 protein (p.Tyr588Phe). This variant is present in population databases (no rsID available, gnomAD 0.003%). This variant has not been reported in the literature in individuals affected with ABCA4-related conditions. Algorithms developed to predict the effect of missense changes on protein structure and function are either unavailable or do not agree on the potential impact of this missense change (SIFT: "Deleterious"; PolyPhen-2: "Benign"; Align-GVGD: "Class C15"). In summary, the available evidence is currently insufficient to determine the role of this variant in disease. Therefore, it has been classified as a Variant of Uncertain Significance.